The following is an entry in ClinVar:

NM_012431.3(SEMA3E):c.457-42_457-19del

Gene: SEMA3E (semaphorin 3E; minus strand). Cytogenetic location: 7q21.11.
Variant type: Deletion.
Coding change: c.457-42_457-19del on transcript NM_012431.3 (MANE Select); 42 bases into the intron before coding-DNA position 457 through 19 bases into the intron before coding-DNA position 457, 24 bases deleted (GAGGAGGCATATTCATAATGATTT).
Molecular consequence: intron variant.
Genome position (GRCh38, 1-based): chr7:83,418,502-83,418,525, AAATCATTATGAATATGCCTCCTC deleted on the plus strand (GAGGAGGCATATTCATAATGATTT on the coding strand, the reverse complement: SEMA3E is on the minus strand). VCF-style (leftmost placement, unchanged base first): chr7-83418501-AAAATCATTATGAATATGCCTCCTC-A. GRCh37 (hg19) VCF-style: chr7-83047817-AAAATCATTATGAATATGCCTCCTC-A.
Other names: c.277-42_277-19del (NM_001178129.2).
Identifiers: ClinVar variation 3638627 (VCV003638627.2).

ClinVar aggregate classification (germline): Uncertain significance (1 of 4 stars; one submission).

Conditions:
CHARGE syndrome (CHARGE). Also called: Hittner Hirsch Kreh syndrome; CHARGE ASSOCIATION--COLOBOMA, HEART ANOMALY, CHOANAL ATRESIA, RETARDATION, GENITAL AND EAR ANOMALIES; Coloboma, heart anomaly, choanal atresia, retardation, genital and ear anomalies; CHARGE association; Hall-Hittner syndrome. Identifiers: Orphanet 138, MedGen C0265354, MONDO:0008965.

Submission:

Labcorp Genetics (formerly Invitae), Labcorp
Classification: Uncertain significance for CHARGE syndrome. Last evaluated: 2025-02-19. Review status: criteria provided, single submitter. Criteria: Invitae Variant Classification Sherloc (09022015). Collection method: clinical testing. Allele origin: germline.
Comment: This sequence change falls in intron 4 of the SEMA3E gene. It does not directly change the encoded amino acid sequence of the SEMA3E protein. This variant is not present in population databases (gnomAD no frequency). This variant has not been reported in the literature in individuals affected with SEMA3E-related conditions. Experimental studies and prediction algorithms are not available or were not evaluated, and the effect of this variant on mRNA splicing is currently unknown. In summary, the available evidence is currently insufficient to determine the role of this variant in disease. Therefore, it has been classified as a Variant of Uncertain Significance.